The following is an entry in ClinVar:

ClinVar aggregate classification (germline): Uncertain significance (1 of 4 stars; one submission).

Conditions:
Familial hypobetalipoproteinemia 1. Also called: APOB-Related Familial Hypobetalipoproteinemia; Hypobetalipoproteinemia, normotriglyceridemic; Acanthocytosis with hypobetalipoproteinemia. Identifiers: MedGen C4551990, MONDO:0014252, OMIM 615558.
Hypercholesterolemia, autosomal dominant, type B (FHCL2). Also called: Familial Hypercholesterolemia Type B; APOLIPOPROTEIN B-100, FAMILIAL DEFECTIVE; APOLIPOPROTEIN B-100, FAMILIAL LIGAND-DEFECTIVE; HYPERCHOLESTEROLEMIA, FAMILIAL, DUE TO LIGAND-DEFECTIVE APOLIPOPROTEIN B; Hyperlipoproteinemia Type IIb; Familial hypercholesterolemia 2. Identifiers: MedGen C1704417, MONDO:0007751, OMIM 144010.

gnomAD v4.1: 1 of 1,613,982 alleles (0.000062%); highest among the groups gnomAD compares: Admixed American, 0.0017%; no homozygotes.

Submission:

Labcorp Genetics (formerly Invitae), Labcorp
Classification: Uncertain significance for Familial hypobetalipoproteinemia 1; Hypercholesterolemia, autosomal dominant, type B. Last evaluated: 2024-03-13. Review status: criteria provided, single submitter. Criteria: Invitae Variant Classification Sherloc (09022015). Collection method: clinical testing. Allele origin: germline.
Comment: This sequence change replaces threonine, which is neutral and polar, with proline, which is neutral and non-polar, at codon 3252 of the APOB protein (p.Thr3252Pro). This variant is not present in population databases (gnomAD no frequency). This variant has not been reported in the literature in individuals affected with APOB-related conditions. Advanced modeling of protein sequence and biophysical properties (such as structural, functional, and spatial information, amino acid conservation, physicochemical variation, residue mobility, and thermodynamic stability) performed at Invitae indicates that this missense variant is not expected to disrupt APOB protein function with a negative predictive value of 95%. In summary, the available evidence is currently insufficient to determine the role of this variant in disease. Therefore, it has been classified as a Variant of Uncertain Significance.

NM_000384.3(APOB):c.9754A>C (p.Thr3252Pro)

Gene: APOB (apolipoprotein B; minus strand). Cytogenetic location: 2p24.1.
Variant type: single nucleotide variant.
Coding change: c.9754A>C on transcript NM_000384.3 (MANE Select); coding-DNA position 9754, A replaced by C.
Protein change: p.Thr3252Pro; replaces threonine 3252 with proline.
Molecular consequence: missense variant.
Genome position (GRCh38, 1-based): chr2:21,007,114, T>G on the plus strand (A>C on the coding strand, the complement: APOB is on the minus strand). VCF-style: chr2-21007114-T-G. GRCh37 (hg19) VCF-style: chr2-21229986-T-G.
Other names: short protein forms T3252P.
Identifiers: ClinVar variation 3758522 (VCV003758522.2).